The following is an entry in ClinVar:

NM_015378.4(VPS13D):c.1229A>T (p.Gln410Leu)

Gene: VPS13D (vacuolar protein sorting 13 homolog D; plus strand). Cytogenetic location: 1p36.22.
Variant type: single nucleotide variant.
Coding change: c.1229A>T on transcript NM_015378.4 (MANE Select); coding-DNA position 1229, A replaced by T.
Protein change: p.Gln410Leu; replaces glutamine 410 with leucine.
Molecular consequence: missense variant.
Genome position (GRCh38, 1-based): chr1:12,260,964, A>T. VCF-style: chr1-12260964-A-T. GRCh37 (hg19) VCF-style: chr1-12321021-A-T.
Other names: p.Gln410Leu; c.1229A>T (NM_015378.3); c.1229A>T, p.Gln410Leu (NM_018156.4); short protein forms Q410L.
Identifiers: ClinVar variation 1599180 (VCV001599180.33), dbSNP rs112286021, ClinGen allele CA601468.

ClinVar aggregate classification (germline): Benign/Likely benign. Review status: criteria provided, multiple submitters, no conflicts (2 of 4 stars). 5 submissions from 5 submitters: Benign (3); Likely benign (1). 1 of the submissions does not count toward it. Last evaluated 2025-12-03.

Conditions:
VPS13D-related disorder. Also called: VPS13D-related condition.

Allele frequency attached by ClinVar (database versions not stated): ESP Exome Variant Server 0.00069; TOPMed 0.00079; gnomAD 0.00081 and 0.00086; ExAC 0.00095.
gnomAD v4.1: 1,018 of 1,613,730 alleles (0.063%); highest among the groups gnomAD compares: Admixed American, 0.043%; 11 homozygotes.

Submissions (5):

Labcorp Genetics (formerly Invitae), Labcorp
Classification: Benign. Last evaluated: 2025-12-03. Review status: criteria provided, single submitter. Criteria: Invitae Variant Classification Sherloc (09022015). Collection method: clinical testing. Allele origin: germline.

Blueprint Genetics
Classification: Likely benign. Last evaluated: 2024-11-07. Review status: criteria provided, single submitter. Criteria: ACMG Guidelines, 2015. Collection method: clinical testing. Allele origin: germline.

Mayo Clinic Laboratories, Mayo Clinic
Classification: Benign. Last evaluated: 2024-05-09. Review status: criteria provided, single submitter. Criteria: ACMG Guidelines, 2015. Collection method: clinical testing. Allele origin: germline. Observed: 4 variant alleles.
Comment: BA1, BP4

CeGaT Center for Human Genetics Tuebingen
Classification: Benign. Last evaluated: 2024-01-01. Review status: criteria provided, single submitter. Criteria: CeGaT Center For Human Genetics Tuebingen Variant Classification Criteria Version 2. Collection method: clinical testing. Allele origin: germline. Affected: yes. Observed: 1 variant allele.
Comment: VPS13D: BP4, BS1, BS2

PreventionGenetics, part of Exact Sciences
Classification: Benign for VPS13D-related condition. Last evaluated: 2019-07-10. Review status: no assertion criteria provided. Collection method: clinical testing. Allele origin: germline. Not counted in ClinVar's aggregate classification.
Comment: This variant is classified as benign based on ACMG/AMP sequence variant interpretation guidelines (Richards et al. 2015 PMID: 25741868, with internal and published modifications).